The following is an entry in ClinVar:

ClinVar aggregate classification (germline): Pathogenic (1 of 4 stars; one submission).

Conditions:
Neurofibromatosis, type 1 (NF1). Also called: Neurofibromatosis, type I; VON RECKLINGHAUSEN DISEASE; NEUROFIBROMATOSIS, TYPE I, SOMATIC; Peripheral type neurofibromatosis. Identifiers: Orphanet 636, MedGen C0027831, MONDO:0018975, OMIM 162200. Disease mechanism: loss of function.

Submission:

Labcorp Genetics (formerly Invitae), Labcorp
Classification: Pathogenic for Neurofibromatosis, type 1. Last evaluated: 2021-11-03. Review status: criteria provided, single submitter. Criteria: Invitae Variant Classification Sherloc (09022015). Collection method: clinical testing. Allele origin: germline.
Comment: This sequence change creates a premature translational stop signal (p.Ala2419Serfs*8) in the NF1 gene. It is expected to result in an absent or disrupted protein product. Loss-of-function variants in NF1 are known to be pathogenic (PMID: 10712197, 23913538). This variant is not present in population databases (gnomAD no frequency). This variant has not been reported in the literature in individuals affected with NF1-related conditions. For these reasons, this variant has been classified as Pathogenic.

Literature cited by the submitters: PubMed 10712197; PubMed 23913538.

NM_001042492.3(NF1):c.7317dup (p.Ala2440fs)

Gene: NF1 (neurofibromin 1; plus strand). Cytogenetic location: 17q11.2.
Variant type: Duplication.
Coding change: c.7317dup on transcript NM_001042492.3 (MANE Select); coding-DNA position 7317, one base duplicated (A; older notation c.7317dupA).
Protein change: p.Ala2440fs; shifts the reading frame from alanine 2440.
Molecular consequence: frameshift variant.
Genome position (GRCh38, 1-based): chr17:31,349,247, A duplicated. VCF-style (leftmost placement, unchanged base first): chr17-31349246-T-TA. GRCh37 (hg19) VCF-style: chr17-29676264-T-TA.
Other names: c.7254dup, p.Ala2419Serfs (NM_000267.4); short protein forms A2419fs, A2440fs.
Identifiers: ClinVar variation 1456524 (VCV001456524.6), dbSNP rs2151572967, ClinGen allele CA2573153825.